The following is an entry in ClinVar:

ClinVar aggregate classification (germline): Uncertain significance (1 of 4 stars; one submission).

gnomAD v4.1: 1 of 1,611,970 alleles (0.000062%); highest among the groups gnomAD compares: Non-Finnish European, 0.000085%; no homozygotes.

Submission:

GeneDx
Classification: Uncertain significance. Last evaluated: 2024-07-22. Review status: criteria provided, single submitter. Criteria: GeneDx Variant Classification Process June 2021. Collection method: clinical testing. Allele origin: germline. Affected: yes.
Comment: Not observed at significant frequency in large population cohorts (gnomAD); In silico analysis supports that this missense variant has a deleterious effect on protein structure/function; Has not been previously published as pathogenic or benign to our knowledge

NM_001348323.3(TRIP12):c.3764T>G (p.Val1255Gly)

Gene: TRIP12 (thyroid hormone receptor interactor 12; minus strand). Cytogenetic location: 2q36.3.
Variant type: single nucleotide variant.
Coding change: c.3764T>G on transcript NM_001348323.3 (MANE Select); coding-DNA position 3764, T replaced by G.
Protein change: p.Val1255Gly; replaces valine 1255 with glycine.
Molecular consequence: missense variant.
Genome position (GRCh38, 1-based): chr2:229,796,643, A>C on the plus strand (T>G on the coding strand, the complement: TRIP12 is on the minus strand). VCF-style: chr2-229796643-A-C. GRCh37 (hg19) VCF-style: chr2-230661359-A-C.
Other names: c.3683T>G, p.Val1228Gly (NM_001284214.2, NM_001348315.2); c.3638T>G, p.Val1213Gly (NM_001284215.2, NM_001348316.2, NM_001348317.1 and 1 more transcripts); c.2729T>G, p.Val910Gly (NM_001284216.2); c.3764T>G, p.Val1255Gly (NM_001348319.1, NM_001348320.2, NM_001348322.1 and 4 more transcripts); c.3767T>G, p.Val1256Gly (NM_001348321.1, NM_001348328.1, NM_001348329.2 and 1 more transcripts); c.3557T>G, p.Val1186Gly (NM_001348331.1); c.3677T>G, p.Val1226Gly (NM_001348332.1); c.3686T>G, p.Val1229Gly (NM_001348333.1); and 1 more; short protein forms V1180G, V1186G, V1213G, V1226G, V1228G, V1229G, V1255G, V1256G.
Identifiers: ClinVar variation 3600648 (VCV003600648.1).